The following is an entry in ClinVar:

NM_001042492.3(NF1):c.4856A>G (p.Asn1619Ser)

Gene: NF1 (neurofibromin 1; plus strand). Cytogenetic location: 17q11.2.
Variant type: single nucleotide variant.
Coding change: c.4856A>G on transcript NM_001042492.3 (MANE Select); coding-DNA position 4856, A replaced by G.
Protein change: p.Asn1619Ser; replaces asparagine 1619 with serine.
Molecular consequence: missense variant.
Genome position (GRCh38, 1-based): chr17:31,325,840, A>G. VCF-style: chr17-31325840-A-G. GRCh37 (hg19) VCF-style: chr17-29652858-A-G.
Other names: c.4793A>G, p.Asn1598Ser (NM_000267.4); short protein forms N1598S, N1619S.
Identifiers: ClinVar variation 484042 (VCV000484042.14), dbSNP rs1466167635, ClinGen allele CA399006940.
Genomic context (GRCh38, chr17:31,325,840, plus strand): 5'-CACTGCTAATAATCTTTGTCTTTTTTGTCATTTTCCTTAGGTTCAAAACTGGTCAAATCA[A>G]TGGTGATTTGCTGATATACCATGTCTTACTGACTTTAAAGCCATATTATGCAAAGCCATA-3'
Protein context (NP_001035957.1, residues 1609-1629): VARRFKTGQI[Asn1619Ser]GDLLIYHVLL

ClinVar aggregate classification (germline): Conflicting classifications of pathogenicity. Review status: criteria provided, conflicting classifications (1 of 4 stars). 4 submissions from 4 submitters: Uncertain significance (3); Likely benign (1). Last evaluated 2026-02-02.

Conditions:
Cardiovascular phenotype. Identifiers: MedGen CN230736.
Hereditary cancer-predisposing syndrome. Also called: Hereditary neoplastic syndrome; Neoplastic Syndromes, Hereditary; Tumor predisposition; Hereditary Cancer Syndrome. Identifiers: Orphanet 140162, MedGen C0027672, MeSH D009386, MONDO:0015356.
Juvenile myelomonocytic leukemia (JMML). Also called: LEUKEMIA, JUVENILE MYELOMONOCYTIC, SOMATIC. Identifiers: Orphanet 86834, MedGen C0349639, MONDO:0011908, OMIM 607785, HP:0012209.
Neurofibromatosis, type 1 (NF1). Also called: VON RECKLINGHAUSEN DISEASE; Peripheral type neurofibromatosis; NEUROFIBROMATOSIS, TYPE I, SOMATIC; Neurofibromatosis, type I. Identifiers: Orphanet 636, MedGen C0027831, MONDO:0018975, OMIM 162200. Disease mechanism: loss of function.

Allele frequency attached by ClinVar (database versions not stated): gnomAD exomes below 0.00001; TOPMed below 0.00001.
gnomAD v4.1: 2 of 1,614,028 alleles (0.00012%); highest among the groups gnomAD compares: South Asian, 0.0011%; no homozygotes.

Submissions (4):

Labcorp Genetics (formerly Invitae), Labcorp
Classification: Likely benign for Neurofibromatosis, type 1. Last evaluated: 2026-02-02. Review status: criteria provided, single submitter. Criteria: Invitae Variant Classification Sherloc (09022015). Collection method: clinical testing. Allele origin: germline.

Ambry Genetics
Classification: Uncertain significance for Cardiovascular phenotype; Hereditary cancer-predisposing syndrome. Last evaluated: 2023-12-11. Review status: criteria provided, single submitter. Criteria: Ambry Variant Classification Scheme 2023. Collection method: clinical testing. Allele origin: germline.
Comment: The p.N1598S variant (also known as c.4793A>G), located in coding exon 36 of the NF1 gene, results from an A to G substitution at nucleotide position 4793. The asparagine at codon 1598 is replaced by serine, an amino acid with highly similar properties. This alteration has been reported with a carrier frequency of 0.0000 in 7051 unselected breast cancer patients and 0.00018 in 11241 female controls of Japanese ancestry (Momozawa Y et al. Nat Commun. 2018 10;9:4083). This amino acid position is highly conserved in available vertebrate species. In addition, this alteration is predicted to be tolerated by in silico analysis. Since supporting evidence is limited at this time, the clinical significance of this alteration remains unclear.

Baylor Genetics
Classification: Uncertain significance for Juvenile myelomonocytic leukemia. Last evaluated: 2023-07-26. Review status: criteria provided, single submitter. Criteria: ACMG Guidelines, 2015. Collection method: clinical testing. Allele origin: unknown.

Genome-Nilou Lab
Classification: Uncertain significance for Neurofibromatosis, type 1. Last evaluated: 2022-03-15. Review status: criteria provided, single submitter. Criteria: ACMG Guidelines, 2015. Collection method: clinical testing. Allele origin: germline. Affected: no.